The following is an entry in ClinVar:

ClinVar aggregate classification (germline): Uncertain significance. Review status: criteria provided, multiple submitters, no conflicts (2 of 4 stars). 2 submissions from 2 submitters: Uncertain significance (2). Last evaluated 2024-02-12.

Conditions:
Inborn genetic diseases. Identifiers: MedGen C0950123, MeSH D030342.

Allele frequency attached by ClinVar (database versions not stated): gnomAD exomes 0.00001 and 0.00004; ExAC 0.00003; TOPMed 0.00005; ESP Exome Variant Server 0.00008; gnomAD 0.00008 and 0.00009; 1000 Genomes Project 30x 0.00031; 1000 Genomes Project 0.00040.

Submissions (2):

Ambry Genetics
Classification: Uncertain significance for Inborn genetic diseases. Last evaluated: 2024-02-12. Review status: criteria provided, single submitter. Criteria: Ambry Variant Classification Scheme 2023. Collection method: clinical testing. Allele origin: germline.

GeneDx
Classification: Uncertain significance. Last evaluated: 2017-03-03. Review status: criteria provided, single submitter. Criteria: GeneDx Variant Classification (06012015). Collection method: clinical testing. Allele origin: germline. Affected: yes.
Comment: The G141D variant has not been published as a pathogenic variant, nor has it been reported as a benign variant to our knowledge. The G141D variant is not observed at a significant frequency in large population cohorts (Lek et al., 2016; 1000 Genomes Consortium et al., 2015; Exome Variant Server). The G141D variant is a non-conservative amino acid substitution, which is likely to impact secondary protein structure as these residues differ in polarity, charge, size and/or other properties. This substitution occurs at a position that is conserved in mammals. In silico analysis is inconsistent in its predictions as to whether or not the variant is damaging to the protein structure/function. In summary, based on the currently available information, it is unclear whether this variant is a pathogenic variant or a rare benign variant.

NM_020745.4(AARS2):c.422G>A (p.Gly141Asp)

Gene: AARS2 (alanyl-tRNA synthetase 2, mitochondrial; minus strand). Cytogenetic location: 6p21.1.
Variant type: single nucleotide variant.
Coding change: c.422G>A on transcript NM_020745.4 (MANE Select); coding-DNA position 422, G replaced by A.
Protein change: p.Gly141Asp; replaces glycine 141 with aspartic acid.
Molecular consequence: missense variant.
Genome position (GRCh38, 1-based): chr6:44,312,085, C>T on the plus strand (G>A on the coding strand, the complement: AARS2 is on the minus strand). VCF-style: chr6-44312085-C-T. GRCh37 (hg19) VCF-style: chr6-44279822-C-T.
Other names: short protein forms G141D.
Identifiers: ClinVar variation 423716 (VCV000423716.3), dbSNP rs373555804, ClinGen allele CA3834667.